The following is an entry in ClinVar:

ClinVar aggregate classification (germline): Uncertain significance (1 of 4 stars; one submission).

Allele frequency attached by ClinVar (database versions not stated): gnomAD exomes below 0.00001.
gnomAD v4.1: 4 of 1,613,416 alleles (0.00025%); highest among the groups gnomAD compares: Non-Finnish European, 0.00034%; no homozygotes.

Submission:

CeGaT Center for Human Genetics Tuebingen
Classification: Uncertain significance. Last evaluated: 2024-02-01. Review status: criteria provided, single submitter. Criteria: CeGaT Center For Human Genetics Tuebingen Variant Classification Criteria Version 2. Collection method: clinical testing. Allele origin: germline. Affected: yes. Observed: 1 variant allele.
Comment: DCC: PM2

NM_005215.4(DCC):c.3673G>T (p.Ala1225Ser)

Gene: DCC (DCC netrin 1 receptor; plus strand). Cytogenetic location: 18q21.2.
Variant type: single nucleotide variant.
Coding change: c.3673G>T on transcript NM_005215.4 (MANE Select); coding-DNA position 3673, G replaced by T.
Protein change: p.Ala1225Ser; replaces alanine 1225 with serine.
Molecular consequence: missense variant.
Genome position (GRCh38, 1-based): chr18:53,467,947, G>T. VCF-style: chr18-53467947-G-T. GRCh37 (hg19) VCF-style: chr18-50994317-G-T.
Other names: short protein forms A1225S.
Identifiers: ClinVar variation 3026169 (VCV003026169.22), dbSNP rs1160762858, ClinGen allele CA402517505.
Genomic context (GRCh38, chr18:53,467,947, plus strand): 5'-TTTTTAGGTCAAGACACTGAGGAAGCAGGGAGCTCTATGTCCACTCTGGAGAGGTCGCTG[G>T]CTGCACGCCGAGCCCCCCGGGCCAAGCTCATGATTCCCATGGATGCCCAGTCCAACAATC-3'
Protein context (NP_005206.2, residues 1215-1235): SSMSTLERSL[Ala1225Ser]ARRAPRAKLM